The following is an entry in ClinVar:

ClinVar aggregate classification (germline): Uncertain significance (1 of 4 stars; one submission).

Conditions:
Dilated cardiomyopathy 1G (CMD1G). Identifiers: Orphanet 154, MedGen C1858763, MONDO:0011400, OMIM 604145.
Autosomal recessive limb-girdle muscular dystrophy type 2J (LGMDR10). Also called: Limb-girdle muscular dystrophy, type 2J; MUSCULAR DYSTROPHY, LIMB-GIRDLE, AUTOSOMAL RECESSIVE 10. Identifiers: Orphanet 140922, MedGen C1837342, MONDO:0012127, OMIM 608807.

Allele frequency attached by ClinVar (database versions not stated): ExAC 0.00001; gnomAD 0.00001.
gnomAD v4.1: 4 of 1,613,842 alleles (0.00025%); highest among the groups gnomAD compares: Non-Finnish European, 0.00034%; no homozygotes.

Submission:

Labcorp Genetics (formerly Invitae), Labcorp
Classification: Uncertain significance for Dilated cardiomyopathy 1G; Autosomal recessive limb-girdle muscular dystrophy type 2J. Last evaluated: 2024-07-25. Review status: criteria provided, single submitter. Criteria: Invitae Variant Classification Sherloc (09022015). Collection method: clinical testing. Allele origin: germline.
Comment: This sequence change replaces glycine, which is neutral and non-polar, with serine, which is neutral and polar, at codon 1494 of the TTN protein (p.Gly1494Ser). This variant also falls at the last nucleotide of exon 25, which is part of the consensus splice site for this exon. The frequency data for this variant in the population databases is considered unreliable, as metrics indicate poor data quality at this position in the gnomAD database. This variant has not been reported in the literature in individuals affected with TTN-related conditions. ClinVar contains an entry for this variant (Variation ID: 574295). Experimental studies and prediction algorithms are not available or were not evaluated, and the functional significance of this variant is currently unknown. Variants that disrupt the consensus splice site are a relatively common cause of aberrant splicing (PMID: 17576681, 9536098). Algorithms developed to predict the effect of sequence changes on RNA splicing suggest that this variant may disrupt the consensus splice site. This variant is located in the Z band of TTN (PMID: 25589632). Non-truncating variants in this region may be clinically relevant, but have not been definitively shown to cause cardiomyopathy or neuromuscular disease (PMID: 27493940, 32778822). In summary, the available evidence is currently insufficient to determine the role of this variant in disease. Therefore, it has been classified as a Variant of Uncertain Significance.

Literature cited by the submitters: PubMed 17576681; PubMed 9536098; PubMed 25589632; PubMed 27493940; PubMed 32778822.

NM_001267550.2(TTN):c.4480G>A (p.Gly1494Ser)

Genes: TTN (titin; minus strand), LOC101927055 (uncharacterized LOC101927055; plus strand). Cytogenetic location: 2q31.2.
Variant type: single nucleotide variant.
Coding change: c.4480G>A on transcript NM_001267550.2 (MANE Select); coding-DNA position 4480, G replaced by A.
Protein change: p.Gly1494Ser; replaces glycine 1494 with serine.
Molecular consequence: missense variant. On other transcripts: non-coding transcript variant (1).
Genome position (GRCh38, 1-based): chr2:178,777,704, C>T on the plus strand (G>A on the coding strand, the complement: TTN is on the minus strand). VCF-style: chr2-178777704-C-T. GRCh37 (hg19) VCF-style: chr2-179642431-C-T.
Other names: c.4342G>A, p.Gly1448Ser (NM_133432.3, NM_133437.4, NM_003319.4); c.4480G>A, p.Gly1494Ser (NM_001256850.1, NM_133378.4, NM_133379.5); short protein forms G1494S, G1448S.
Identifiers: ClinVar variation 574295 (VCV000574295.11), dbSNP rs774506028, ClinGen allele CA2005319.